The following is an entry in ClinVar:

ClinVar aggregate classification (germline): Conflicting classifications of pathogenicity. Review status: criteria provided, conflicting classifications (1 of 4 stars). 9 submissions from 9 submitters: Uncertain significance (2); Likely benign (6). 1 of the submissions does not count toward it. Last evaluated 2026-02-01.

Conditions:
OTOF-related disorder. Also called: OTOF-related condition.
Autosomal recessive nonsyndromic hearing loss 9. Also called: NEUROSENSORY NONSYNDROMIC RECESSIVE DEAFNESS 9; AUDITORY NEUROPATHY, AUTOSOMAL RECESSIVE, 1, TEMPERATURE-SENSITIVE; OTOF-Related Hearing Loss; Deafness, autosomal recessive 9. Identifiers: Orphanet 90636, MedGen C1832828, MONDO:0010986, OMIM 601071.

Allele frequency attached by ClinVar (database versions not stated): 1000 Genomes Project 0.00060; 1000 Genomes Project 30x 0.00062; ExAC 0.00110; ESP Exome Variant Server 0.00123; gnomAD exomes 0.00126 and 0.00144; gnomAD 0.00129 and 0.00133; TOPMed 0.00142.
gnomAD v4.1: 2,298 of 1,613,764 alleles (0.14%); highest among the groups gnomAD compares: Admixed American, 0.19%; no homozygotes.

Submissions (9):

Labcorp Genetics (formerly Invitae), Labcorp
Classification: Likely benign. Last evaluated: 2026-02-01. Review status: criteria provided, single submitter. Criteria: Invitae Variant Classification Sherloc (09022015). Collection method: clinical testing. Allele origin: germline.

GeneDx
Classification: Uncertain significance. Last evaluated: 2025-08-14. Review status: criteria provided, single submitter. Criteria: GeneDx Variant Classification Process June 2021. Collection method: clinical testing. Allele origin: germline. Affected: yes.
Comment: In silico analysis supports that this missense variant has a deleterious effect on protein structure/function; This variant is associated with the following publications: (PMID: 34515852, 19461658, 40069133)

Blueprint Genetics
Classification: Likely benign. Last evaluated: 2024-10-22. Review status: criteria provided, single submitter. Criteria: ACMG Guidelines, 2015. Collection method: clinical testing. Allele origin: germline.

Mendelics
Classification: Likely benign for Autosomal recessive nonsyndromic hearing loss 9. Last evaluated: 2019-05-28. Review status: criteria provided, single submitter. Criteria: Mendelics Assertion Criteria 2017. Collection method: clinical testing. Allele origin: unknown.

Athena Diagnostics
Classification: Likely benign. Last evaluated: 2019-03-04. Review status: criteria provided, single submitter. Criteria: Athena Diagnostics Criteria. Collection method: clinical testing. Allele origin: germline.

Illumina Laboratory Services, Illumina
Classification: Uncertain significance for Autosomal recessive nonsyndromic hearing loss 9. Last evaluated: 2017-04-27. Review status: criteria provided, single submitter. Criteria: ICSL Variant Classification Criteria 13 December 2019. Collection method: clinical testing. Allele origin: germline.

Eurofins Ntd Llc (ga)
Classification: Likely benign. Last evaluated: 2016-07-26. Review status: criteria provided, single submitter. Criteria: EGL Classification Definitions 2015. Collection method: clinical testing. Allele origin: germline. Observed: 1 variant allele, 1 heterozygote.

Laboratory for Molecular Medicine, Mass General Brigham Personalized Medicine
Classification: Likely benign. Last evaluated: 2012-05-08. Review status: criteria provided, single submitter. Criteria: LMM Criteria. Collection method: clinical testing. Allele origin: germline. Observed: 8 variant alleles.
Comment: Thr1688Met in exon 40 of OTOF: This variant has been identified in three individ uals by our laboratory, none of whom had second OTOF variants and one of whom ha d another cause of hearing loss. In addition, this variant has been identified i n 0.19% (16/8600) of European American chromosomes in a broad population by the NHLBI Exome sequencing project (dbSNP rs11103 3393). In summary, these data suggest this variant is likely benign.

PreventionGenetics, part of Exact Sciences
Classification: Likely benign for OTOF-related condition. Last evaluated: 2024-03-06. Review status: no assertion criteria provided. Collection method: clinical testing. Allele origin: germline. Not counted in ClinVar's aggregate classification.
Comment: This variant is classified as likely benign based on ACMG/AMP sequence variant interpretation guidelines (Richards et al. 2015 PMID: 25741868, with internal and published modifications).

Literature cited by the submitters: PubMed 19461658 (cited by Athena Diagnostics).

NM_194248.3(OTOF):c.5063C>T (p.Thr1688Met)

Genes: OTOF (otoferlin; minus strand), LOC112840921 (BRD4-independent group 4 enhancer GRCh37_chr2:26685720-26686919; plus strand). Cytogenetic location: 2p23.3.
Variant type: single nucleotide variant.
Coding change: c.5063C>T on transcript NM_194248.3 (MANE Select); coding-DNA position 5063, C replaced by T.
Protein change: p.Thr1688Met; replaces threonine 1688 with methionine.
Molecular consequence: missense variant.
Genome position (GRCh38, 1-based): chr2:26,464,004, G>A on the plus strand (C>T on the coding strand, the complement: OTOF is on the minus strand). VCF-style: chr2-26464004-G-A. GRCh37 (hg19) VCF-style: chr2-26686872-G-A.
Other names: c.5063C>T, p.Thr1688Met (NM_001287489.2); c.2762C>T, p.Thr921Met (NM_004802.4, NM_194323.3); c.2993C>T, p.Thr998Met (NM_194322.3); short protein forms T1688M, T998M, T921M.
Identifiers: ClinVar variation 48248 (VCV000048248.34), dbSNP rs111033393, ClinGen allele CA142917.